The following is an entry in ClinVar:

ClinVar aggregate classification (germline): Likely pathogenic (1 of 4 stars; one submission).

Conditions:
Menkes kinky-hair syndrome (MNK). Also called: Copper transport disease; Classic Menkes Disease; Menkes Disease. Identifiers: Orphanet 565, MedGen C0022716, MONDO:0010651, OMIM 309400.

Submission:

Myriad Genetics, Inc.
Classification: Likely pathogenic for Menkes kinky-hair syndrome. Last evaluated: 2022-02-25. Review status: criteria provided, single submitter. Criteria: Myriad Autosomal Dominant, Autosomal Recessive and X-Linked Classification Criteria (2023). Collection method: clinical testing. Allele origin: unknown.
Comment: NM_000052.5(ATP7A):c.1465_1466delAA(K489Vfs*18) is expected to be pathogenic in the context of ATP7A-related disorders. This variant is predicted to lead to an abnormal or absent protein product due to the creation of a premature termination codon in ATP7A, a gene where loss-of-function variants are known to be pathogenic. Please note: this variant was assessed in the context of healthy population screening.

NM_000052.7(ATP7A):c.1465_1466del (p.Lys489fs)

Gene: ATP7A (ATPase copper transporting alpha; plus strand). Cytogenetic location: Xq21.1.
Variant type: Deletion.
Coding change: c.1465_1466del on transcript NM_000052.7 (MANE Select); coding-DNA positions 1465 to 1466, 2 bases deleted (AA; older notation c.1465_1466delAA).
Protein change: p.Lys489fs; shifts the reading frame from lysine 489.
Molecular consequence: frameshift variant.
Genome position (GRCh38, 1-based): chrX:77,998,606-77,998,607, AA deleted. VCF-style (leftmost placement, unchanged base first): chrX-77998605-TAA-T. GRCh37 (hg19) VCF-style: chrX-77254102-TAA-T.
Other names: c.1465_1466del, p.Lys489fs (NM_001282224.2); short protein forms K489fs.
Identifiers: ClinVar variation 1724735 (VCV001724735.3), dbSNP rs2522314565, ClinGen allele CA2580101489.